The following is an entry in ClinVar:

ClinVar aggregate classification (germline): Uncertain significance (1 of 4 stars; one submission).

Conditions:
Autosomal recessive limb-girdle muscular dystrophy type R18 (LGMDR18). Also called: MUSCULAR DYSTROPHY, LIMB-GIRDLE, AUTOSOMAL RECESSIVE 18; Autosomal recessive limb-girdle muscular dystrophy type 2S; Limb-girdle muscular dystrophy, type 2S. Identifiers: Orphanet 369840, MedGen C4517996, MONDO:0014144, OMIM 615356.

Submission:

Labcorp Genetics (formerly Invitae), Labcorp
Classification: Uncertain significance for Autosomal recessive limb-girdle muscular dystrophy type R18. Last evaluated: 2022-02-09. Review status: criteria provided, single submitter. Criteria: Invitae Variant Classification Sherloc (09022015). Collection method: clinical testing. Allele origin: germline.
Comment: This variant has not been reported in the literature in individuals affected with TRAPPC11-related conditions. Variants that disrupt the consensus splice site are a relatively common cause of aberrant splicing (PMID: 17576681, 9536098). Algorithms developed to predict the effect of sequence changes on RNA splicing suggest that this variant may disrupt the consensus splice site. This sequence change falls in intron 18 of the TRAPPC11 gene. It does not directly change the encoded amino acid sequence of the TRAPPC11 protein. It affects a nucleotide within the consensus splice site. This variant is not present in population databases (gnomAD no frequency). In summary, the available evidence is currently insufficient to determine the role of this variant in disease. Therefore, it has been classified as a Variant of Uncertain Significance.

Literature cited by the submitters: PubMed 17576681; PubMed 9536098.

NM_021942.6(TRAPPC11):c.1893+6G>C

Gene: TRAPPC11 (trafficking protein particle complex subunit 11; plus strand). Cytogenetic location: 4q35.1.
Variant type: single nucleotide variant.
Coding change: c.1893+6G>C on transcript NM_021942.6 (MANE Select); 6 bases into the intron after coding-DNA position 1893, G replaced by C.
Molecular consequence: intron variant.
Genome position (GRCh38, 1-based): chr4:183,686,754, G>C. VCF-style: chr4-183686754-G-C. GRCh37 (hg19) VCF-style: chr4-184607907-G-C.
Other names: c.1893+6G>C (NM_199053.3).
Identifiers: ClinVar variation 1378838 (VCV001378838.6), dbSNP rs772573994, ClinGen allele CA2573138141.